The following is an entry in ClinVar:

NM_014874.4(MFN2):c.524C>T (p.Ala175Val)

Gene: MFN2 (mitofusin 2; plus strand). Cytogenetic location: 1p36.22.
Variant type: single nucleotide variant.
Coding change: c.524C>T on transcript NM_014874.4 (MANE Select); coding-DNA position 524, C replaced by T.
Protein change: p.Ala175Val; replaces alanine 175 with valine.
Molecular consequence: missense variant.
Genome position (GRCh38, 1-based): chr1:11,997,346, C>T. VCF-style: chr1-11997346-C-T. GRCh37 (hg19) VCF-style: chr1-12057403-C-T.
Other names: c.524C>T, p.Ala175Val (NM_001127660.2); short protein forms A175V.
Identifiers: ClinVar variation 1807000 (VCV001807000.6), dbSNP rs370569875, ClinGen allele CA598848.

ClinVar aggregate classification (germline): Uncertain significance. Review status: criteria provided, multiple submitters, no conflicts (2 of 4 stars). 2 submissions from 2 submitters: Uncertain significance (2). Last evaluated 2022-06-09.

Conditions:
Charcot-Marie-Tooth disease type 2. Also called: Charcot-Marie-Tooth type 2. Identifiers: Orphanet 64746, MedGen C0270914, MONDO:0018993.

Allele frequency attached by ClinVar (database versions not stated): gnomAD exomes below 0.00001; ESP Exome Variant Server 0.00008; ExAC 0.00001.
gnomAD v4.1: 5 of 1,614,192 alleles (0.00031%); highest among the groups gnomAD compares: Non-Finnish European, 0.00042%; no homozygotes.

Submissions (2):

Athena Diagnostics
Classification: Uncertain significance. Last evaluated: 2022-06-09. Review status: criteria provided, single submitter. Criteria: Athena Diagnostics Criteria. Collection method: clinical testing. Allele origin: unknown.

Labcorp Genetics (formerly Invitae), Labcorp
Classification: Uncertain significance for Charcot-Marie-Tooth disease type 2. Last evaluated: 2022-05-13. Review status: criteria provided, single submitter. Criteria: Invitae Variant Classification Sherloc (09022015). Collection method: clinical testing. Allele origin: germline.
Comment: This sequence change replaces alanine, which is neutral and non-polar, with valine, which is neutral and non-polar, at codon 175 of the MFN2 protein (p.Ala175Val). This variant is present in population databases (rs370569875, gnomAD 0.002%). This variant has not been reported in the literature in individuals affected with MFN2-related conditions. Advanced modeling of protein sequence and biophysical properties (such as structural, functional, and spatial information, amino acid conservation, physicochemical variation, residue mobility, and thermodynamic stability) performed at Invitae indicates that this missense variant is expected to disrupt MFN2 protein function. In summary, the available evidence is currently insufficient to determine the role of this variant in disease. Therefore, it has been classified as a Variant of Uncertain Significance.